The following is an entry in ClinVar:

NM_201384.3(PLEC):c.6531G>A (p.Thr2177=)

Gene: PLEC (plectin; minus strand). Cytogenetic location: 8q24.3.
Variant type: single nucleotide variant.
Coding change: c.6531G>A on transcript NM_201384.3 (MANE Select); coding-DNA position 6531, G replaced by A.
Protein change: p.Thr2177=; no amino-acid change (threonine 2177 retained).
Molecular consequence: synonymous variant.
Genome position (GRCh38, 1-based): chr8:143,923,398, C>T on the plus strand (G>A on the coding strand, the complement: PLEC is on the minus strand). VCF-style: chr8-143923398-C-T. GRCh37 (hg19) VCF-style: chr8-144997566-C-T.
Other names: c.6612G>A, p.Thr2204= (NM_000445.5); c.6489G>A, p.Thr2163= (NM_201378.4); c.6465G>A, p.Thr2155= (NM_201379.3); c.6942G>A, p.Thr2314= (NM_201380.4); c.6435G>A, p.Thr2145= (NM_201381.3); c.6531G>A, p.Thr2177= (NM_201382.4); c.6543G>A, p.Thr2181= (NM_201383.3); c.6612G>A (NM_000445.4).
Identifiers: ClinVar variation 288674 (VCV000288674.7), dbSNP rs782621816, ClinGen allele CA10606184.

ClinVar aggregate classification (germline): Uncertain significance. Review status: criteria provided, single submitter (1 of 4 stars). 2 submissions from 2 submitters: Uncertain significance (1). 1 of the submissions does not count toward it. Last evaluated 2016-06-14.

Conditions:
PLEC-related disorder. Also called: PLEC-related disorders; PLEC-related condition.

gnomAD v4.1: 14 of 1,610,782 alleles (0.00087%); highest among the groups gnomAD compares: South Asian, 0.0022%; 1 homozygote.

Submissions (2):

Eurofins Ntd Llc (ga)
Classification: Uncertain significance. Last evaluated: 2016-06-14. Review status: criteria provided, single submitter. Criteria: EGL Classification Definitions 2015. Collection method: clinical testing. Allele origin: germline. Observed: 1 variant allele, 1 heterozygote.

PreventionGenetics, part of Exact Sciences
Classification: Likely benign for PLEC-related condition. Last evaluated: 2020-05-18. Review status: no assertion criteria provided. Collection method: clinical testing. Allele origin: germline. Not counted in ClinVar's aggregate classification.
Comment: This variant is classified as likely benign based on ACMG/AMP sequence variant interpretation guidelines (Richards et al. 2015 PMID: 25741868, with internal and published modifications).